The following is an entry in ClinVar:

ClinVar aggregate classification (germline): Uncertain significance (1 of 4 stars; one submission).

Conditions:
Inborn genetic diseases. Identifiers: MedGen C0950123, MeSH D030342.

Submission:

Ambry Genetics
Classification: Uncertain significance for Inborn genetic diseases. Last evaluated: 2025-08-25. Review status: criteria provided, single submitter. Criteria: Ambry Variant Classification Scheme 2023. Collection method: clinical testing. Allele origin: germline.
Comment: The c.667T>C (p.F223L) alteration is located in exon 4 (coding exon 3) of the ACTG1 gene. This alteration results from a T to C substitution at nucleotide position 667, causing the phenylalanine (F) at amino acid position 223 to be replaced by a leucine (L). This variant was not reported in population-based cohorts in the Genome Aggregation Database (gnomAD). This amino acid position is highly conserved in available vertebrate species. This alteration is predicted to be deleterious by in silico analysis. Based on insufficient or conflicting evidence, the clinical significance of this alteration remains unclear.

NM_001614.5(ACTG1):c.667T>C (p.Phe223Leu)

Gene: ACTG1 (actin gamma 1; minus strand). Cytogenetic location: 17q25.3.
Variant type: single nucleotide variant.
Coding change: c.667T>C on transcript NM_001614.5 (MANE Select); coding-DNA position 667, T replaced by C.
Protein change: p.Phe223Leu; replaces phenylalanine 223 with leucine.
Molecular consequence: missense variant. On other transcripts: non-coding transcript variant (1).
Genome position (GRCh38, 1-based): chr17:81,511,323, A>G on the plus strand (T>C on the coding strand, the complement: ACTG1 is on the minus strand). VCF-style: chr17-81511323-A-G. GRCh37 (hg19) VCF-style: chr17-79478349-A-G.
Other names: c.667T>C, p.Phe223Leu (NM_001199954.3); short protein forms F223L.
Identifiers: ClinVar variation 3263755 (VCV003263755.2).
Genomic context (GRCh38, chr17:81,511,323, plus strand): 5'-GCAGCTCGTAGCTCTTCTCCAGAGAAGAGGAGGATGCGGCGGTGGCCATCTCCTGCTCGA[A>G]GTCCAGGGCGACGTAGCACAGCTTCTCCTTGATGTCGCGCACGATTTCCCGCTCGGCCGT-3'
Protein context (NP_001605.1, residues 213-233): KEKLCYVALD[Phe223Leu]EQEMATAASS